The following is an entry in ClinVar:

ClinVar aggregate classification (germline): Uncertain significance. Review status: criteria provided, multiple submitters, no conflicts (2 of 4 stars). 2 submissions from 2 submitters: Uncertain significance (2). Last evaluated 2024-10-14.

Conditions:
Developmental and epileptic encephalopathy. Identifiers: MedGen C5779964, MONDO:0100620.
Inborn genetic diseases. Identifiers: MedGen C0950123, MeSH D030342.

Allele frequency attached by ClinVar (database versions not stated): TOPMed 0.00003; gnomAD 0.00004 and 0.00005; gnomAD exomes 0.00004; ExAC 0.00006.
gnomAD v4.1: 58 of 1,598,290 alleles (0.0036%); highest among the groups gnomAD compares: South Asian, 0.011%; no homozygotes.

Submissions (2):

Labcorp Genetics (formerly Invitae), Labcorp
Classification: Uncertain significance for Early-infantile DEE. Last evaluated: 2024-10-14. Review status: criteria provided, single submitter. Criteria: Invitae Variant Classification Sherloc (09022015). Collection method: clinical testing. Allele origin: germline.
Comment: This sequence change replaces leucine, which is neutral and non-polar, with phenylalanine, which is neutral and non-polar, at codon 649 of the CACNA2D2 protein (p.Leu649Phe). This variant is present in population databases (rs775442985, gnomAD 0.01%). This variant has not been reported in the literature in individuals affected with CACNA2D2-related conditions. ClinVar contains an entry for this variant (Variation ID: 575896). An algorithm developed to predict the effect of missense changes on protein structure and function (PolyPhen-2) suggests that this variant is likely to be disruptive. In summary, the available evidence is currently insufficient to determine the role of this variant in disease. Therefore, it has been classified as a Variant of Uncertain Significance.

Ambry Genetics
Classification: Uncertain significance for Inborn genetic diseases. Last evaluated: 2022-11-08. Review status: criteria provided, single submitter. Criteria: Ambry Variant Classification Scheme 2023. Collection method: clinical testing. Allele origin: germline.

NM_006030.4(CACNA2D2):c.1945C>T (p.Leu649Phe)

Gene: CACNA2D2 (calcium voltage-gated channel auxiliary subunit alpha2delta 2; minus strand). Cytogenetic location: 3p21.31.
Variant type: single nucleotide variant.
Coding change: c.1945C>T on transcript NM_006030.4 (MANE Select); coding-DNA position 1945, C replaced by T.
Protein change: p.Leu649Phe; replaces leucine 649 with phenylalanine.
Molecular consequence: missense variant.
Genome position (GRCh38, 1-based): chr3:50,374,776, G>A on the plus strand (C>T on the coding strand, the complement: CACNA2D2 is on the minus strand). VCF-style: chr3-50374776-G-A. GRCh37 (hg19) VCF-style: chr3-50412207-G-A.
Other names: c.1945C>T, p.Leu649Phe (NM_001005505.3, NM_001174051.3); c.1738C>T, p.Leu580Phe (NM_001291101.1); c.1945C>T (NM_001174051.1); short protein forms L649F, L580F.
Identifiers: ClinVar variation 575896 (VCV000575896.6), dbSNP rs775442985, ClinGen allele CA2418656.